The following is an entry in ClinVar:

ClinVar aggregate classification (germline): Conflicting classifications of pathogenicity. Review status: criteria provided, conflicting classifications (1 of 4 stars). 2 submissions from 2 submitters: Uncertain significance (1); Likely benign (1). Last evaluated 2025-04-01.

Allele frequency attached by ClinVar (database versions not stated): ExAC 0.00024; ESP Exome Variant Server 0.00031.
gnomAD v4.1: 401 of 1,613,782 alleles (0.025%); highest among the groups gnomAD compares: Non-Finnish European, 0.032%; no homozygotes.

Submissions (2):

CeGaT Center for Human Genetics Tuebingen
Classification: Likely benign. Last evaluated: 2025-04-01. Review status: criteria provided, single submitter. Criteria: CeGaT Center For Human Genetics Tuebingen Variant Classification Criteria Version 2. Collection method: clinical testing. Allele origin: germline. Affected: yes. Observed: 1 variant allele.
Comment: MTSS2: BP4, BS2

Ambry Genetics
Classification: Uncertain significance. Last evaluated: 2023-04-20. Review status: criteria provided, single submitter. Criteria: Ambry Variant Classification Scheme 2023. Collection method: clinical testing. Allele origin: germline.

NM_138383.3(MTSS2):c.869C>A (p.Ala290Asp)

Gene: MTSS2 (MTSS I-BAR domain containing 2; minus strand). Cytogenetic location: 16q22.1.
Variant type: single nucleotide variant.
Coding change: c.869C>A on transcript NM_138383.3 (MANE Select); coding-DNA position 869, C replaced by A.
Protein change: p.Ala290Asp; replaces alanine 290 with aspartic acid.
Molecular consequence: missense variant.
Genome position (GRCh38, 1-based): chr16:70,674,490, G>T on the plus strand (C>A on the coding strand, the complement: MTSS2 is on the minus strand). VCF-style: chr16-70674490-G-T. GRCh37 (hg19) VCF-style: chr16-70708393-G-T.
Other names: short protein forms A290D.
Identifiers: ClinVar variation 2570215 (VCV002570215.9), dbSNP rs143838443, ClinGen allele CA8146900.
Genomic context (GRCh38, chr16:70,674,490, plus strand): 5'-AGGCTGCGGTAGCGACAGGTGGAACTGGGTGAGTATGTTTGGGCACCCCCAGGCCATGGG[G>T]CTCCGCCACCCTTGGCACTGCTACTGCTGCTGGGGGCACTAGGGGAGTGAAGGAAGAGGG-3'
Protein context (NP_612392.1, residues 280-300): SSSSSAKGGG[Ala290Asp]PWPGGAQTYS